The following is an entry in ClinVar:

NM_000492.4(CFTR):c.1355A>C (p.Gln452Pro)

Genes: CFTR (CF transmembrane conductance regulator; plus strand), CFTR-AS1 (CFTR antisense RNA 1; minus strand). Cytogenetic location: 7q31.2.
Variant type: single nucleotide variant.
Coding change: c.1355A>C on transcript NM_000492.4 (MANE Select); coding-DNA position 1355, A replaced by C.
Protein change: p.Gln452Pro; replaces glutamine 452 with proline.
Molecular consequence: missense variant.
Genome position (GRCh38, 1-based): chr7:117,548,786, A>C. VCF-style: chr7-117548786-A-C. GRCh37 (hg19) VCF-style: chr7-117188840-A-C.
Other names: short protein forms Q452P.
Identifiers: ClinVar variation 1770677 (VCV001770677.2), dbSNP rs397508193, ClinGen allele CA326458.

ClinVar aggregate classification (germline): Uncertain significance (1 of 4 stars; one submission).

Conditions:
Cystic fibrosis (CF). Also called: MUCOVISCIDOSIS. Identifiers: Orphanet 586, MedGen C0010674, MONDO:0009061, OMIM 219700. Disease mechanism: loss of function.

Submission:

Ambry Genetics
Classification: Uncertain significance for Cystic fibrosis. Last evaluated: 2022-03-25. Review status: criteria provided, single submitter. Criteria: Ambry Variant Classification Scheme 2023. Collection method: clinical testing. Allele origin: germline.
Comment: The p.Q452P variant (also known as c.1355A>C), located in coding exon 10 of the CFTR gene, results from an A to C substitution at nucleotide position 1355. The glutamine at codon 452 is replaced by proline, an amino acid with similar properties. This amino acid position is not well conserved in available vertebrate species. In addition, this alteration is predicted to be deleterious by in silico analysis. Since supporting evidence is limited at this time, the clinical significance of this alteration remains unclear.